The following is an entry in ClinVar:

NM_005609.4(PYGM):c.1518+171A>T

Gene: PYGM (glycogen phosphorylase, muscle associated; minus strand). Cytogenetic location: 11q13.1.
Variant type: single nucleotide variant.
Coding change: c.1518+171A>T on transcript NM_005609.4 (MANE Select); 171 bases into the intron after coding-DNA position 1518, A replaced by T.
Molecular consequence: intron variant.
Genome position (GRCh38, 1-based): chr11:64,752,902, T>A on the plus strand (A>T on the coding strand, the complement: PYGM is on the minus strand). VCF-style: chr11-64752902-T-A. GRCh37 (hg19) VCF-style: chr11-64520374-T-A.
Other names: c.1254+171A>T (NM_001164716.1).
Identifiers: ClinVar variation 668605 (VCV000668605.1), dbSNP rs565688, ClinGen allele CA13532616.

ClinVar aggregate classification (germline): Benign (1 of 4 stars; one submission).

Allele frequency attached by ClinVar (database versions not stated): 1000 Genomes Project 30x 0.90240; TOPMed 0.90781; 1000 Genomes Project 0.91114; gnomAD 0.91683.
gnomAD v4.1: 139,755 of 152,248 alleles (92%); highest among the groups gnomAD compares: East Asian, 100%; 65,362 homozygotes.

Submission:

GeneDx
Classification: Benign. Last evaluated: 2018-06-14. Review status: criteria provided, single submitter. Criteria: GeneDx Variant Classification (06012015). Collection method: clinical testing. Allele origin: germline. Affected: yes.
Comment: This variant is considered likely benign or benign based on one or more of the following criteria: it is a conservative change, it occurs at a poorly conserved position in the protein, it is predicted to be benign by multiple in silico algorithms, and/or has population frequency not consistent with disease.